The following is an entry in ClinVar:

NM_007294.4(BRCA1):c.221A>C (p.Gln74Pro)

Gene: BRCA1 (BRCA1 DNA repair associated; minus strand). Cytogenetic location: 17q21.31.
Variant type: single nucleotide variant.
Coding change: c.221A>C on transcript NM_007294.4 (MANE Select); coding-DNA position 221, A replaced by C.
Protein change: p.Gln74Pro; replaces glutamine 74 with proline.
Molecular consequence: missense variant. On other transcripts: non-coding transcript variant (1).
Genome position (GRCh38, 1-based): chr17:43,104,948, T>G on the plus strand (A>C on the coding strand, the complement: BRCA1 is on the minus strand). VCF-style: chr17-43104948-T-G. GRCh37 (hg19) VCF-style: chr17-41256965-T-G.
Other names: c.80A>C, p.Gln27Pro (NM_001407924.1, NM_001407925.1, NM_001407926.1 and 99 more transcripts); c.221A>C, p.Gln74Pro (NM_001407937.1, NM_001407938.1, NM_001407939.1 and 168 more transcripts); c.11A>C, p.Gln4Pro (NM_001407946.1, NM_001407947.1, NM_001407948.1 and 58 more transcripts); c.-161A>C (NM_001407959.1, NM_001407960.1, NM_001407962.1 and 4 more transcripts); c.143A>C, p.Gln48Pro (NM_001408409.1, NM_001408411.1, NM_001408412.1 and 21 more transcripts); c.89A>C, p.Gln30Pro (NM_001408451.1); short protein forms Q27P, Q74P, Q30P, Q48P, Q4P.
Identifiers: ClinVar variation 865574 (VCV000865574.3), dbSNP rs2054696806, ClinGen allele CA10601722.

Conditions:
Breast-ovarian cancer, familial, susceptibility to, 1 (BROVCA1). Also called: BRCA1 Hereditary Breast and Ovarian Cancer; OVARIAN CANCER, SUSCEPTIBILITY TO. Identifiers: Orphanet 145, MedGen C2676676, MONDO:0011450, OMIM 604370. Disease mechanism: loss of function.

Submission:

Brotman Baty Institute, University of Washington
No classification provided (evidence only). Condition: Breast-ovarian cancer, familial 1. Review status: no classification provided. Collection method: in vitro. Allele origin: not applicable. Functional consequence: functionally_normal.
ClinVar note: "not provided" was previously submitted as the classification for the variant. However, the classification appeared to be based only on an observation of functional data so it was converted to no classification on 2025-07-30.